The following is an entry in ClinVar:

NC_000001.11:g.(?_237270487)_(237832657_?)dup

Gene: RYR2 (ryanodine receptor 2; plus strand). Cytogenetic location: 1q43.
Variant type: Duplication.
Identifiers: ClinVar variation 832271 (VCV000832271.45).

ClinVar aggregate classification (germline): Uncertain significance (1 of 4 stars; one submission).

Conditions:
Catecholaminergic polymorphic ventricular tachycardia 1. Also called: VENTRICULAR TACHYCARDIA, CATECHOLAMINERGIC POLYMORPHIC, 1, WITH OR WITHOUT ATRIAL DYSFUNCTION AND/OR DILATED CARDIOMYOPATHY; RYR2-Related Catecholaminergic Polymorphic Ventricular Tachycardia; VENTRICULAR TACHYCARDIA, STRESS-INDUCED POLYMORPHIC 1. Identifiers: Orphanet 3286, MedGen C1631597, MONDO:0011484, OMIM 604772.

Submission:

Labcorp Genetics (formerly Invitae), Labcorp
Classification: Uncertain significance for Catecholaminergic polymorphic ventricular tachycardia 1. Last evaluated: 2019-04-20. Review status: criteria provided, single submitter. Criteria: Invitae Variant Classification Sherloc (09022015). Collection method: clinical testing. Allele origin: germline.
Comment: This variant results in a copy number gain of the genomic region encompassing exons 2-105 of the RYR2 gene. The 5' boundary is likely confined to intron 1. The 3' end of this event is unknown as it extends beyond the assayed region for this gene and therefore may encompass additional genes. As the precise location of this event is unknown, it may be in tandem or it may be located elsewhere in the genome. In summary, the available evidence is currently insufficient to determine the role of this variant in disease. Therefore, it has been classified as a Variant of Uncertain Significance. This variant has not been reported in the literature in individuals with RYR2-related conditions.